The following is an entry in ClinVar:

NM_004281.4(BAG3):c.692C>T (p.Thr231Met)

Gene: BAG3 (BAG cochaperone 3; plus strand). Cytogenetic location: 10q26.11.
Variant type: single nucleotide variant.
Coding change: c.692C>T on transcript NM_004281.4 (MANE Select); coding-DNA position 692, C replaced by T.
Protein change: p.Thr231Met; replaces threonine 231 with methionine.
Molecular consequence: missense variant.
Genome position (GRCh38, 1-based): chr10:119,672,439, C>T. VCF-style: chr10-119672439-C-T. GRCh37 (hg19) VCF-style: chr10-121431951-C-T.
Other names: short protein forms T231M.
Identifiers: ClinVar variation 471805 (VCV000471805.9), dbSNP rs747454279, ClinGen allele CA5716394.

ClinVar aggregate classification (germline): Uncertain significance. Review status: criteria provided, multiple submitters, no conflicts (2 of 4 stars). 2 submissions from 2 submitters: Uncertain significance (2). Last evaluated 2025-06-29.

Conditions:
Dilated cardiomyopathy 1HH (CMD1HH). Identifiers: Orphanet 154, MedGen C3151293, MONDO:0013479, OMIM 613881.
Myofibrillar myopathy 6. Identifiers: Orphanet 199340, MedGen C2751831, MONDO:0013061, OMIM 612954.

Allele frequency attached by ClinVar (database versions not stated): gnomAD exomes below 0.00001; ExAC 0.00001; gnomAD 0.00001; TOPMed 0.00001.
gnomAD v4.1: 27 of 1,614,108 alleles (0.0017%); highest among the groups gnomAD compares: East Asian, 0.0022%; no homozygotes.

Submissions (2):

Labcorp Genetics (formerly Invitae), Labcorp
Classification: Uncertain significance for Dilated cardiomyopathy 1HH; Myofibrillar myopathy 6. Last evaluated: 2025-06-29. Review status: criteria provided, single submitter. Criteria: Invitae Variant Classification Sherloc (09022015). Collection method: clinical testing. Allele origin: germline.
Comment: This sequence change replaces threonine, which is neutral and polar, with methionine, which is neutral and non-polar, at codon 231 of the BAG3 protein (p.Thr231Met). This variant is present in population databases (rs747454279, gnomAD 0.0009%). This variant has not been reported in the literature in individuals affected with BAG3-related conditions. ClinVar contains an entry for this variant (Variation ID: 471805). Invitae Evidence Modeling of protein sequence and biophysical properties (such as structural, functional, and spatial information, amino acid conservation, physicochemical variation, residue mobility, and thermodynamic stability) indicates that this missense variant is not expected to disrupt BAG3 protein function with a negative predictive value of 80%. In summary, the available evidence is currently insufficient to determine the role of this variant in disease. Therefore, it has been classified as a Variant of Uncertain Significance.

Fulgent Genetics
Classification: Uncertain significance for Myofibrillar myopathy 6; Dilated cardiomyopathy 1HH. Last evaluated: 2021-09-21. Review status: criteria provided, single submitter. Criteria: ACMG Guidelines, 2015. Collection method: clinical testing. Allele origin: unknown.